The following is an entry in ClinVar:

NM_012309.5(SHANK2):c.593-7T>C

Gene: SHANK2 (SH3 and multiple ankyrin repeat domains 2; minus strand). Cytogenetic location: 11q13.4.
Variant type: single nucleotide variant.
Coding change: c.593-7T>C on transcript NM_012309.5 (MANE Select); 7 bases into the intron before coding-DNA position 593, T replaced by C.
Molecular consequence: intron variant.
Genome position (GRCh38, 1-based): chr11:71,094,695, A>G on the plus strand (T>C on the coding strand, the complement: SHANK2 is on the minus strand). VCF-style: chr11-71094695-A-G. GRCh37 (hg19) VCF-style: chr11-70805741-A-G.
Identifiers: ClinVar variation 3056635 (VCV003056635.2), dbSNP rs1555095007, ClinGen allele CA600170462.

ClinVar aggregate classification (germline): Likely benign (0 of 4 stars; one submission).

Conditions:
SHANK2-related disorder.

Allele frequency attached by ClinVar (database versions not stated): gnomAD exomes below 0.00001.
gnomAD v4.1: 3 of 1,551,318 alleles (0.00019%); highest among the groups gnomAD compares: Non-Finnish European, 0.00026%; no homozygotes.

Submission:

PreventionGenetics, part of Exact Sciences
Classification: Likely benign for SHANK2-related condition. Last evaluated: 2022-05-24. Review status: no assertion criteria provided. Collection method: clinical testing. Allele origin: germline.
Comment: This variant is classified as likely benign based on ACMG/AMP sequence variant interpretation guidelines (Richards et al. 2015 PMID: 25741868, with internal and published modifications).